The following is an entry in ClinVar:

NM_032119.4(ADGRV1):c.6882T>A (p.Phe2294Leu)

Gene: ADGRV1 (adhesion G protein-coupled receptor V1; plus strand). Cytogenetic location: 5q14.3.
Variant type: single nucleotide variant.
Coding change: c.6882T>A on transcript NM_032119.4 (MANE Select); coding-DNA position 6882, T replaced by A.
Protein change: p.Phe2294Leu; replaces phenylalanine 2294 with leucine.
Molecular consequence: missense variant.
Genome position (GRCh38, 1-based): chr5:90,690,972, T>A. VCF-style: chr5-90690972-T-A. GRCh37 (hg19) VCF-style: chr5-89986789-T-A.
Other names: short protein forms F2294L.
Identifiers: ClinVar variation 1437847 (VCV001437847.8), dbSNP rs1746390811, ClinGen allele CA360368503.

ClinVar aggregate classification (germline): Uncertain significance (1 of 4 stars; one submission).

Allele frequency attached by ClinVar (database versions not stated): TOPMed below 0.00001.

Submission:

Labcorp Genetics (formerly Invitae), Labcorp
Classification: Uncertain significance. Last evaluated: 2022-11-01. Review status: criteria provided, single submitter. Criteria: Invitae Variant Classification Sherloc (09022015). Collection method: clinical testing. Allele origin: germline.
Comment: In summary, the available evidence is currently insufficient to determine the role of this variant in disease. Therefore, it has been classified as a Variant of Uncertain Significance. Advanced modeling of protein sequence and biophysical properties (such as structural, functional, and spatial information, amino acid conservation, physicochemical variation, residue mobility, and thermodynamic stability) performed at Invitae indicates that this missense variant is not expected to disrupt ADGRV1 protein function. ClinVar contains an entry for this variant (Variation ID: 1437847). This variant has not been reported in the literature in individuals affected with ADGRV1-related conditions. This variant is not present in population databases (gnomAD no frequency). This sequence change replaces phenylalanine, which is neutral and non-polar, with leucine, which is neutral and non-polar, at codon 2294 of the ADGRV1 protein (p.Phe2294Leu).